The following is an entry in ClinVar:

NM_000179.3(MSH6):c.4002-21_4013del

Gene: MSH6 (mutS homolog 6; plus strand). Cytogenetic location: 2p16.3.
Variant type: Deletion.
Coding change: c.4002-21_4013del on transcript NM_000179.3 (MANE Select); 21 bases into the intron before coding-DNA position 4002 through coding-DNA position 4013, 33 bases deleted.
Molecular consequence: splice acceptor variant.
Genome position (GRCh38, 1-based): chr2:47,806,758-47,806,790, 33 bases deleted; deleting any 33 consecutive bases within chr2:47,806,757-47,806,790 gives the same sequence; the c. name uses the placement nearest the transcript's 3' end. GRCh37 (hg19): chr2:48,033,897-48,033,929.
Other names: c.4002-21_4013del (NM_001406809.1, NM_001406796.1); c.3096-21_3107del (NM_001406811.1, NM_001406814.1, NM_001281493.2 and 6 more transcripts); c.3705-21_3716del (NM_001406805.1, NM_001406797.1, NM_001406818.1 and 8 more transcripts); c.4098-21_4109del (NM_001406795.1); c.3898-21_3909del (NM_001406802.1); c.4008-21_4019del (NM_001406813.1); c.3477-21_3488del (NM_001406807.1, NM_001406799.1, NM_001406806.1); c.4002-26_4008del (NM_001406808.1); and 11 more.
Identifiers: ClinVar variation 3639360 (VCV003639360.2).

ClinVar aggregate classification (germline): Uncertain significance (1 of 4 stars; one submission).

Conditions:
Hereditary nonpolyposis colorectal neoplasms. Identifiers: MedGen C0009405, MeSH D003123.

Submission:

Labcorp Genetics (formerly Invitae), Labcorp
Classification: Uncertain significance for Hereditary nonpolyposis colorectal neoplasms. Last evaluated: 2024-02-07. Review status: criteria provided, single submitter. Criteria: Invitae Variant Classification Sherloc (09022015). Collection method: clinical testing. Allele origin: germline.
Comment: This variant results in the deletion of partial exon 10 deletion of the MSH6 gene. While this variant is not anticipated to result in nonsense mediated decay, it likely alters RNA splicing and results in a disrupted protein product. This variant is not present in population databases (gnomAD no frequency). This variant has not been reported in the literature in individuals affected with MSH6-related conditions. Experimental studies and prediction algorithms are not available or were not evaluated, and the functional significance of this variant is currently unknown. Variants that disrupt the consensus splice site are a relatively common cause of aberrant splicing (PMID: 17576681, 9536098). RNA analysis performed to evaluate the impact of disruption of this splice site on mRNA splicing indicates it does not significantly alter splicing (Invitae). In summary, the available evidence is currently insufficient to determine the role of this variant in disease. Therefore, it has been classified as a Variant of Uncertain Significance.

Literature cited by the submitters: PubMed 17576681; PubMed 9536098.